The following is an entry in ClinVar:

NM_198514.4(NHLRC2):c.1494+8G>A

Gene: NHLRC2 (NHL repeat containing 2; plus strand). Cytogenetic location: 10q25.3.
Variant type: single nucleotide variant.
Coding change: c.1494+8G>A on transcript NM_198514.4 (MANE Select); 8 bases into the intron after coding-DNA position 1494, G replaced by A.
Molecular consequence: intron variant.
Genome position (GRCh38, 1-based): chr10:113,902,601, G>A. VCF-style: chr10-113902601-G-A. GRCh37 (hg19) VCF-style: chr10-115662360-G-A.
Identifiers: ClinVar variation 3045287 (VCV003045287.2), dbSNP rs145006091, ClinGen allele CA5698028.

ClinVar aggregate classification (germline): Benign (0 of 4 stars; one submission).

Conditions:
NHLRC2-related disorder. Also called: NHLRC2-related condition.

Allele frequency attached by ClinVar (database versions not stated): gnomAD exomes 0.00040; ExAC 0.00128; 1000 Genomes Project 30x 0.00359; 1000 Genomes Project 0.00379; gnomAD 0.00420; TOPMed 0.00443; ESP Exome Variant Server 0.00515.
gnomAD v4.1: 1,217 of 1,598,164 alleles (0.076%); highest among the groups gnomAD compares: African/African-American, 1.5%; 10 homozygotes.

Submission:

PreventionGenetics, part of Exact Sciences
Classification: Benign for NHLRC2-related condition. Last evaluated: 2024-06-08. Review status: no assertion criteria provided. Collection method: clinical testing. Allele origin: germline.
Comment: This variant is classified as benign based on ACMG/AMP sequence variant interpretation guidelines (Richards et al. 2015 PMID: 25741868, with internal and published modifications).